The following is an entry in ClinVar:

ClinVar aggregate classification (germline): Uncertain significance (1 of 4 stars; one submission).

Conditions:
Norman-Roberts syndrome (LIS2). Also called: Lissencephaly 2 (Norman-Roberts type). Identifiers: Orphanet 89844, MedGen C0796089, MONDO:0009760, OMIM 257320.
Familial temporal lobe epilepsy 7. Identifiers: Orphanet 101046, MedGen C4225327, MONDO:0014639, OMIM 616436.

Allele frequency attached by ClinVar (database versions not stated): gnomAD exomes below 0.00001; ExAC 0.00001.
gnomAD v4.1: 1 of 1,614,198 alleles (0.000062%); highest among the groups gnomAD compares: Admixed American, 0.0017%; no homozygotes.

Submission:

Labcorp Genetics (formerly Invitae), Labcorp
Classification: Uncertain significance for Familial temporal lobe epilepsy 7; Norman-Roberts syndrome. Last evaluated: 2022-12-10. Review status: criteria provided, single submitter. Criteria: Invitae Variant Classification Sherloc (09022015). Collection method: clinical testing. Allele origin: germline.
Comment: In summary, the available evidence is currently insufficient to determine the role of this variant in disease. Therefore, it has been classified as a Variant of Uncertain Significance. Advanced modeling of protein sequence and biophysical properties (such as structural, functional, and spatial information, amino acid conservation, physicochemical variation, residue mobility, and thermodynamic stability) performed at Invitae indicates that this missense variant is not expected to disrupt RELN protein function. This variant has not been reported in the literature in individuals affected with RELN-related conditions. The frequency data for this variant in the population databases is considered unreliable, as metrics indicate poor data quality at this position in the gnomAD database. This sequence change replaces valine, which is neutral and non-polar, with alanine, which is neutral and non-polar, at codon 2119 of the RELN protein (p.Val2119Ala).

NM_005045.4(RELN):c.6356T>C (p.Val2119Ala)

Gene: RELN (reelin; minus strand). Cytogenetic location: 7q22.1.
Variant type: single nucleotide variant.
Coding change: c.6356T>C on transcript NM_005045.4 (MANE Select); coding-DNA position 6356, T replaced by C.
Protein change: p.Val2119Ala; replaces valine 2119 with alanine.
Molecular consequence: missense variant.
Genome position (GRCh38, 1-based): chr7:103,545,291, A>G on the plus strand (T>C on the coding strand, the complement: RELN is on the minus strand). VCF-style: chr7-103545291-A-G. GRCh37 (hg19) VCF-style: chr7-103185738-A-G.
Other names: c.6356T>C, p.Val2119Ala (NM_173054.3); short protein forms V2119A.
Identifiers: ClinVar variation 2926467 (VCV002926467.3), dbSNP rs759243948, ClinGen allele CA4420968.